The following is an entry in ClinVar:

NM_007294.4(BRCA1):c.1217dup (p.Asn406fs)

Gene: BRCA1 (BRCA1 DNA repair associated; minus strand). Cytogenetic location: 17q21.31.
Variant type: Duplication.
Coding change: c.1217dup on transcript NM_007294.4 (MANE Select); coding-DNA position 1217, one base duplicated (A; older notation c.1217dupA).
Protein change: p.Asn406fs; shifts the reading frame from asparagine 406.
Molecular consequence: frameshift variant. On other transcripts: intron variant (137).
Genome position (GRCh38, 1-based): chr17:43,094,314, T duplicated on the plus strand (A on the coding strand, the reverse complement: BRCA1 is on the minus strand); the first of 3 consecutive T bases (chr17:43,094,314-43,094,316); duplicating any one gives the same sequence. VCF-style (leftmost placement, unchanged base first): chr17-43094313-A-AT. GRCh37 (hg19) VCF-style: chr17-41246330-A-AT.
Other names: c.1217_1218insA (NM_007294.3); c.1004dup, p.Asn335fs (NM_001407571.1, NM_001407853.1, NM_001407894.1 and 9 more transcripts); c.1217dup, p.Asn406fs (NM_001407581.1, NM_001407582.1, NM_001407583.1 and 30 more transcripts); c.1214dup, p.Asn405fs (NM_001407587.1, NM_001407590.1, NM_001407591.1 and 22 more transcripts); c.1208dup, p.Asn403fs (NM_001407646.1, NM_001407647.1); c.1094dup, p.Asn365fs (NM_001407648.1, NM_001407664.1, NM_001407665.1 and 19 more transcripts); c.1091dup, p.Asn364fs (NM_001407649.1, NM_001407670.1, NM_001407671.1 and 11 more transcripts); c.1139dup, p.Asn380fs (NM_001407653.1, NM_001407654.1, NM_001407655.1 and 4 more transcripts); and 41 more; short protein forms N359fs, N406fs, N294fs, N318fs, N335fs, N339fs, N358fs, N380fs.
Identifiers: ClinVar variation 431207 (VCV000431207.5), dbSNP rs397508846, ClinGen allele CA645373210.
Genomic context (GRCh38, chr17:43,094,313, plus strand): 5'-TGAAGAACCAGAATATTCATCTACCTCATTTAGAACGTCCAATACATCAGCTACTTTGGC[A>AT]TTTGATTCAGACTCCCCATCATGTGAGTCATCAGAACCTAACAGTTCATCACTTCTGGAA-3'

ClinVar aggregate classification (germline): Pathogenic. Review status: criteria provided, multiple submitters, no conflicts (2 of 4 stars). 3 submissions from 3 submitters: Pathogenic (2). 1 of the submissions does not count toward it. Last evaluated 2025-07-23.

Conditions:
Hereditary breast ovarian cancer syndrome. Also called: Hereditary breast and ovarian cancer syndrome (HBOC); BRCA1- and BRCA2-Associated Hereditary Breast and Ovarian Cancer; Hereditary breast and/or ovarian cancer syndrome; Hereditary breast and ovarian cancer syndrome; Hereditary breast and ovarian cancer; Breast and ovarian cancer. Identifiers: Orphanet 145, MedGen C0677776, MeSH D061325, MONDO:0003582. Disease mechanism: loss of function.
Breast-ovarian cancer, familial, susceptibility to, 1 (BROVCA1). Also called: BRCA1 Hereditary Breast and Ovarian Cancer; OVARIAN CANCER, SUSCEPTIBILITY TO. Identifiers: Orphanet 145, MedGen C2676676, MONDO:0011450, OMIM 604370. Disease mechanism: loss of function.

Submissions (3):

Labcorp Genetics (formerly Invitae), Labcorp
Classification: Pathogenic for Hereditary breast ovarian cancer syndrome. Last evaluated: 2025-07-23. Review status: criteria provided, single submitter. Criteria: Invitae Variant Classification Sherloc (09022015). Collection method: clinical testing. Allele origin: germline.
Comment: This sequence change creates a premature translational stop signal (p.Asn406Lysfs*6) in the BRCA1 gene. It is expected to result in an absent or disrupted protein product. Loss-of-function variants in BRCA1 are known to be pathogenic (PMID: 20104584). This variant is not present in population databases (gnomAD no frequency). This premature translational stop signal has been observed in individual(s) with breast and/or ovarian cancer (PMID: 29020660). ClinVar contains an entry for this variant (Variation ID: 431207). For these reasons, this variant has been classified as Pathogenic.

Baylor Genetics
Classification: Pathogenic for Breast-ovarian cancer, familial, susceptibility to, 1. Last evaluated: 2023-10-26. Review status: criteria provided, single submitter. Criteria: ACMG Guidelines, 2015. Collection method: clinical testing. Allele origin: unknown.

Research Molecular Genetics Laboratory, Women's College Hospital, University of Toronto
Classification: Pathogenic for Hereditary breast ovarian cancer syndrome. Last evaluated: 2014-01-31. Review status: no assertion criteria provided. Collection method: research. Allele origin: germline. Affected: yes. Study: The Canadian Open Genetics Repository (COGR). Not counted in ClinVar's aggregate classification.

Literature cited by the submitters: PubMed 20104584 (cited by Labcorp Genetics (formerly Invitae), Labcorp); PubMed 29020660 (cited by Labcorp Genetics (formerly Invitae), Labcorp).